The following is an entry in ClinVar:

ClinVar aggregate classification (germline): Uncertain significance. Review status: criteria provided, multiple submitters, no conflicts (2 of 4 stars). 3 submissions from 3 submitters: Uncertain significance (2). 1 of the submissions does not count toward it. Last evaluated 2024-12-22.

Conditions:
Inborn genetic diseases. Identifiers: MedGen C0950123, MeSH D030342.
Fanconi anemia (FA). Also called: Fanconi's anemia. Identifiers: Orphanet 84, MedGen C0015625, MeSH D005199, MONDO:0019391.

Allele frequency attached by ClinVar (database versions not stated): TOPMed below 0.00001; gnomAD 0.00002.
gnomAD v4.1: 3 of 1,613,972 alleles (0.00019%); highest among the groups gnomAD compares: African/African-American, 0.004%; no homozygotes.

Submissions (3):

Ambry Genetics
Classification: Uncertain significance for Inborn genetic diseases. Last evaluated: 2024-12-22. Review status: criteria provided, single submitter. Criteria: Ambry Variant Classification Scheme 2023. Collection method: clinical testing. Allele origin: germline.
Comment: The p.V411M variant (also known as c.1231G>A), located in coding exon 14 of the FANCA gene, results from a G to A substitution at nucleotide position 1231. The valine at codon 411 is replaced by methionine, an amino acid with highly similar properties. This amino acid position is conserved. In addition, the in silico prediction for this alteration is inconclusive. Based on the available evidence, the clinical significance of this variant remains unclear.

Labcorp Genetics (formerly Invitae), Labcorp
Classification: Uncertain significance for Fanconi anemia. Last evaluated: 2020-09-26. Review status: criteria provided, single submitter. Criteria: Invitae Variant Classification Sherloc (09022015). Collection method: clinical testing. Allele origin: germline.
Comment: Algorithms developed to predict the effect of missense changes on protein structure and function are either unavailable or do not agree on the potential impact of this missense change (SIFT: "Tolerated"; PolyPhen-2: "Possibly Damaging"; Align-GVGD: "Class C0"). In summary, the available evidence is currently insufficient to determine the role of this variant in disease. Therefore, it has been classified as a Variant of Uncertain Significance. This variant has not been reported in the literature in individuals with FANCA-related conditions. This sequence change replaces valine with methionine at codon 411 of the FANCA protein (p.Val411Met). The valine residue is weakly conserved and there is a small physicochemical difference between valine and methionine. This variant is not present in population databases (ExAC no frequency).

Natera, Inc.
Classification: Uncertain significance for Fanconi anemia. Last evaluated: 2021-10-08. Review status: no assertion criteria provided. Collection method: clinical testing. Allele origin: germline. Not counted in ClinVar's aggregate classification.

NM_000135.4(FANCA):c.1231G>A (p.Val411Met)

Gene: FANCA (FA complementation group A; minus strand). Cytogenetic location: 16q24.3.
Variant type: single nucleotide variant.
Coding change: c.1231G>A on transcript NM_000135.4 (MANE Select); coding-DNA position 1231, G replaced by A.
Protein change: p.Val411Met; replaces valine 411 with methionine.
Molecular consequence: missense variant.
Genome position (GRCh38, 1-based): chr16:89,791,531, C>T on the plus strand (G>A on the coding strand, the complement: FANCA is on the minus strand). VCF-style: chr16-89791531-C-T. GRCh37 (hg19) VCF-style: chr16-89857939-C-T.
Other names: c.1231G>A, p.Val411Met (NM_001286167.3); c.1231G>A (NM_000135.2); short protein forms V411M.
Identifiers: ClinVar variation 1063191 (VCV001063191.12), dbSNP rs924067529, ClinGen allele CA286592330.
Genomic context (GRCh38, chr16:89,791,531, plus strand): 5'-ACGCAGTGACCATGCTGTCCAGCTGGCAGCTCTCGAATGCCTGGGCCATCAAACGCGCCA[C>T]CCAGTCTAGTTAAGAACCATGACATAGTCACAGCAAGGCAAGGGCAGCCAGCAGGAACAT-3'
Protein context (NP_000126.2, residues 401-421): PEAQQLLEDW[Val411Met]ARLMAQAFES